The following is an entry in ClinVar:

ClinVar aggregate classification (germline): Conflicting classifications of pathogenicity. Review status: criteria provided, conflicting classifications (1 of 4 stars). 2 submissions from 2 submitters: Uncertain significance (1); Likely benign (1). Last evaluated 2025-04-11.

Conditions:
Inborn genetic diseases. Identifiers: MedGen C0950123, MeSH D030342.
Fanconi anemia (FA). Also called: Fanconi's anemia. Identifiers: Orphanet 84, MedGen C0015625, MeSH D005199, MONDO:0019391.

Allele frequency attached by ClinVar (database versions not stated): gnomAD exomes below 0.00001.
gnomAD v4.1: 6 of 1,611,502 alleles (0.00037%); highest among the groups gnomAD compares: Admixed American, 0.0017%; no homozygotes.

Submissions (2):

Ambry Genetics
Classification: Likely benign for Inborn genetic diseases. Last evaluated: 2025-04-11. Review status: criteria provided, single submitter. Criteria: Ambry Variant Classification Scheme 2023. Collection method: clinical testing. Allele origin: germline.

Labcorp Genetics (formerly Invitae), Labcorp
Classification: Uncertain significance for Fanconi anemia. Last evaluated: 2024-01-11. Review status: criteria provided, single submitter. Criteria: Invitae Variant Classification Sherloc (09022015). Collection method: clinical testing. Allele origin: germline.
Comment: This sequence change replaces threonine, which is neutral and polar, with isoleucine, which is neutral and non-polar, at codon 1339 of the FANCM protein (p.Thr1339Ile). This variant is present in population databases (no rsID available, gnomAD 0.003%). This variant has not been reported in the literature in individuals affected with FANCM-related conditions. ClinVar contains an entry for this variant (Variation ID: 2615507). Algorithms developed to predict the effect of missense changes on protein structure and function output the following: SIFT: "Not Available"; PolyPhen-2: "Benign"; Align-GVGD: "Not Available". The isoleucine amino acid residue is found in multiple mammalian species, which suggests that this missense change does not adversely affect protein function. In summary, the available evidence is currently insufficient to determine the role of this variant in disease. Therefore, it has been classified as a Variant of Uncertain Significance.

NM_020937.4(FANCM):c.4016C>T (p.Thr1339Ile)

Gene: FANCM (FA complementation group M; plus strand). Cytogenetic location: 14q21.2.
Variant type: single nucleotide variant.
Coding change: c.4016C>T on transcript NM_020937.4 (MANE Select); coding-DNA position 4016, C replaced by T.
Protein change: p.Thr1339Ile; replaces threonine 1339 with isoleucine.
Molecular consequence: missense variant.
Genome position (GRCh38, 1-based): chr14:45,176,770, C>T. VCF-style: chr14-45176770-C-T. GRCh37 (hg19) VCF-style: chr14-45645973-C-T.
Other names: c.3938C>T, p.Thr1313Ile (NM_001308133.2); short protein forms T1313I, T1339I.
Identifiers: ClinVar variation 2615507 (VCV002615507.6), dbSNP rs1166545385, ClinGen allele CA389603953.